The following is an entry in ClinVar:

NM_001942.4(DSG1):c.2563G>T (p.Asp855Tyr)

Genes: DSG1 (desmoglein 1; plus strand), DSG1-AS1 (DSG1 antisense RNA 1; minus strand), LOC126862720 (MED14-independent group 3 enhancer GRCh37_chr18:28933613-28934812; plus strand). Cytogenetic location: 18q12.1.
Variant type: single nucleotide variant.
Coding change: c.2563G>T on transcript NM_001942.4 (MANE Select); coding-DNA position 2563, G replaced by T.
Protein change: p.Asp855Tyr; replaces aspartic acid 855 with tyrosine.
Molecular consequence: missense variant.
Genome position (GRCh38, 1-based): chr18:31,354,759, G>T. VCF-style: chr18-31354759-G-T. GRCh37 (hg19) VCF-style: chr18-28934722-G-T.
Other names: short protein forms D855Y.
Identifiers: ClinVar variation 4716699 (VCV004716699.1).

ClinVar aggregate classification (germline): Uncertain significance (1 of 4 stars; one submission).

Submission:

Labcorp Genetics (formerly Invitae), Labcorp
Classification: Uncertain significance. Last evaluated: 2025-06-11. Review status: criteria provided, single submitter. Criteria: Invitae Variant Classification Sherloc (09022015). Collection method: clinical testing. Allele origin: germline.
Comment: This sequence change replaces aspartic acid, which is acidic and polar, with tyrosine, which is neutral and polar, at codon 855 of the DSG1 protein (p.Asp855Tyr). This variant is not present in population databases (gnomAD no frequency). This variant has not been reported in the literature in individuals affected with DSG1-related conditions. An algorithm developed to predict the effect of missense changes on protein structure and function (PolyPhen-2) suggests that this variant is likely to be disruptive. In summary, the available evidence is currently insufficient to determine the role of this variant in disease. Therefore, it has been classified as a Variant of Uncertain Significance.